The following is an entry in ClinVar:

ClinVar aggregate classification (germline): Uncertain significance (1 of 4 stars; one submission).

Conditions:
Neuromuscular disease caused by qualitative or quantitative defects of dysferlin. Also called: Dysferlinopathy; Qualitative or quantitative defects of dysferlin. Identifiers: Orphanet 207073, MedGen C2931687, MONDO:0016145.

Submission:

Labcorp Genetics (formerly Invitae), Labcorp
Classification: Uncertain significance for Neuromuscular disease caused by qualitative or quantitative defects of dysferlin. Last evaluated: 2021-12-24. Review status: criteria provided, single submitter. Criteria: Invitae Variant Classification Sherloc (09022015). Collection method: clinical testing. Allele origin: germline.
Comment: In summary, the available evidence is currently insufficient to determine the role of this variant in disease. Therefore, it has been classified as a Variant of Uncertain Significance. This sequence change replaces glutamine, which is neutral and polar, with histidine, which is basic and polar, at codon 1441 of the DYSF protein (p.Gln1441His). This variant is not present in population databases (gnomAD no frequency). This variant has not been reported in the literature in individuals affected with DYSF-related conditions. Advanced modeling of protein sequence and biophysical properties (such as structural, functional, and spatial information, amino acid conservation, physicochemical variation, residue mobility, and thermodynamic stability) performed at Invitae indicates that this missense variant is not expected to disrupt DYSF protein function.

NM_001130987.2(DYSF):c.4377G>C (p.Gln1459His)

Gene: DYSF (dysferlin; plus strand). Cytogenetic location: 2p13.2.
Variant type: single nucleotide variant.
Coding change: c.4377G>C on transcript NM_001130987.2 (MANE Select); coding-DNA position 4377, G replaced by C.
Protein change: p.Gln1459His; replaces glutamine 1459 with histidine.
Molecular consequence: missense variant.
Genome position (GRCh38, 1-based): chr2:71,612,796, G>C. VCF-style: chr2-71612796-G-C. GRCh37 (hg19) VCF-style: chr2-71839926-G-C.
Other names: c.4326G>C, p.Gln1442His (NM_001130455.2, NM_001130983.2); c.4281G>C, p.Gln1427His (NM_001130976.2, NM_001130977.2); c.4323G>C, p.Gln1441His (NM_001130978.2, NM_003494.4); c.4416G>C, p.Gln1472His (NM_001130979.2); c.4374G>C, p.Gln1458His (NM_001130980.2, NM_001130981.2); c.4419G>C, p.Gln1473His (NM_001130982.2); c.4284G>C, p.Gln1428His (NM_001130984.2, NM_001130986.2); c.4377G>C, p.Gln1459His (NM_001130985.2); short protein forms Q1442H, Q1428H, Q1459H, Q1472H, Q1441H, Q1458H, Q1427H, Q1473H.
Identifiers: ClinVar variation 2203598 (VCV002203598.3), dbSNP rs76576806, ClinGen allele CA347229486.